The following is an entry in ClinVar:

ClinVar aggregate classification (germline): Pathogenic (1 of 4 stars; one submission).

Conditions:
Angelman syndrome-like. Identifiers: MedGen CN128785.
Developmental and epileptic encephalopathy, 2 (DEE2). Also called: INFANTILE SPASM SYNDROME, X-LINKED 2; CDKL5 deficiency disorder. Identifiers: Orphanet 1934, Orphanet 3451, Orphanet 505652, MedGen C4750718, MONDO:0010396, OMIM 300672.

Submission:

Labcorp Genetics (formerly Invitae), Labcorp
Classification: Pathogenic for Developmental and epileptic encephalopathy, 2; Angelman syndrome-like. Last evaluated: 2021-07-04. Review status: criteria provided, single submitter. Criteria: Invitae Variant Classification Sherloc (09022015). Collection method: clinical testing. Allele origin: germline.
Comment: For these reasons, this variant has been classified as Pathogenic. This variant has not been reported in the literature in individuals affected with CDKL5-related conditions. This variant is a gross deletion of the genomic region encompassing exon(s) 4-18 of the CDKL5 gene. This deletion is out-of-frame, and is expected to create a premature translational stop signal and result in an absent or disrupted protein product. Loss-of-function variants in CDKL5 are known to be pathogenic (PMID: 22872100).

Literature cited by the submitters: PubMed 22872100.

NC_000023.10:g.(?_18582577)_(18646727_?)del

Gene: CDKL5 (cyclin dependent kinase like 5; plus strand). Cytogenetic location: Xp22.13.
Variant type: Deletion.
Identifiers: ClinVar variation 1453159 (VCV001453159.6).